The following is an entry in ClinVar:

NM_001367479.1(DNAH14):c.2200T>C (p.Ser734Pro)

Gene: DNAH14 (dynein axonemal heavy chain 14; plus strand). Cytogenetic location: 1q42.12.
Variant type: single nucleotide variant.
Coding change: c.2200T>C on transcript NM_001367479.1 (MANE Select); coding-DNA position 2200, T replaced by C.
Protein change: p.Ser734Pro; replaces serine 734 with proline.
Molecular consequence: missense variant.
Genome position (GRCh38, 1-based): chr1:225,051,571, T>C. VCF-style: chr1-225051571-T-C. GRCh37 (hg19) VCF-style: chr1-225239273-T-C.
Other names: NM_001373.1:c.2200T>C; short protein forms S734P.
Identifiers: ClinVar variation 1810689 (VCV001810689.4), dbSNP rs777566189, ClinGen allele CA1415772.

ClinVar aggregate classification (germline): Uncertain significance. Review status: criteria provided, multiple submitters, no conflicts (2 of 4 stars). 2 submissions from 2 submitters: Uncertain significance (2). Last evaluated 2025-05-05.

Allele frequency attached by ClinVar (database versions not stated): ExAC 0.00005; gnomAD 0.00023; TOPMed 0.00019; gnomAD exomes 0.00029.
gnomAD v4.1: 443 of 1,550,936 alleles (0.029%); highest among the groups gnomAD compares: Non-Finnish European, 0.036%; no homozygotes.

Submissions (2):

GeneDx
Classification: Uncertain significance. Last evaluated: 2025-05-05. Review status: criteria provided, single submitter. Criteria: GeneDx Variant Classification Process June 2021. Collection method: clinical testing. Allele origin: germline.
Comment: In silico analysis supports that this missense variant does not alter protein structure/function; Has not been previously published as pathogenic or benign to our knowledge

Ambry Genetics
Classification: Uncertain significance. Last evaluated: 2024-12-30. Review status: criteria provided, single submitter. Criteria: Ambry Variant Classification Scheme 2023. Collection method: clinical testing. Allele origin: germline.